The following is an entry in ClinVar:

NM_001376571.1(MADD):c.1831C>T (p.Arg611Trp)

Gene: MADD (MAP kinase activating death domain; plus strand). Cytogenetic location: 11p11.2.
Variant type: single nucleotide variant.
Coding change: c.1831C>T on transcript NM_001376571.1 (MANE Select); coding-DNA position 1831, C replaced by T.
Protein change: p.Arg611Trp; replaces arginine 611 with tryptophan.
Molecular consequence: missense variant. On other transcripts: non-coding transcript variant (8).
Genome position (GRCh38, 1-based): chr11:47,282,938, C>T. VCF-style: chr11-47282938-C-T. GRCh37 (hg19) VCF-style: chr11-47304489-C-T.
Other names: c.1831C>T, p.Arg611Trp (NM_001135943.2, NM_001135944.2, NM_001376572.1 and 80 more transcripts); c.1627C>T, p.Arg543Trp (NM_001376620.1, NM_001376626.1, NM_001376627.1 and 9 more transcripts); c.1165C>T, p.Arg389Trp (NM_001376663.1); short protein forms R389W, R543W, R611W.
Identifiers: ClinVar variation 2576906 (VCV002576906.2), dbSNP rs374003373, ClinGen allele CA5974243.

ClinVar aggregate classification (germline): Uncertain significance (1 of 4 stars; one submission).

Allele frequency attached by ClinVar (database versions not stated): ExAC 0.00001; gnomAD 0.00001; gnomAD exomes 0.00001; ESP Exome Variant Server 0.00008.
gnomAD v4.1: 18 of 1,613,684 alleles (0.0011%); highest among the groups gnomAD compares: African/African-American, 0.004%; no homozygotes.

Submission:

GeneDx
Classification: Uncertain significance. Last evaluated: 2026-01-27. Review status: criteria provided, single submitter. Criteria: GeneDx Variant Classification Process June 2021. Collection method: clinical testing. Allele origin: germline.
Comment: Not observed at significant frequency in large population cohorts (gnomAD); In silico analysis supports that this missense variant has a deleterious effect on protein structure/function; Has not been previously published as pathogenic or benign to our knowledge